The following is an entry in ClinVar:

ClinVar aggregate classification (germline): Uncertain significance. Review status: criteria provided, multiple submitters, no conflicts (2 of 4 stars). 4 submissions from 4 submitters: Uncertain significance (4). Last evaluated 2026-01-14.

Conditions:
Hereditary cancer-predisposing syndrome. Also called: Tumor predisposition; Hereditary neoplastic syndrome; Hereditary Cancer Syndrome; Neoplastic Syndromes, Hereditary. Identifiers: Orphanet 140162, MedGen C0027672, MeSH D009386, MONDO:0015356.
Colorectal cancer, susceptibility to, 12 (CRCS12). Also called: COLORECTAL CANCER, SUSCEPTIBILITY TO, ON CHROMOSOME 12q24. Identifiers: Orphanet 220460, MedGen C3554460, MONDO:0014038, OMIM 615083.

Allele frequency attached by ClinVar (database versions not stated): gnomAD 0.00001.
gnomAD v4.1: 1 of 1,614,040 alleles (0.000062%); highest among the groups gnomAD compares: African/African-American, 0.0013%; no homozygotes.

Submissions (4):

Ambry Genetics
Classification: Uncertain significance for Hereditary cancer-predisposing syndrome. Last evaluated: 2026-01-14. Review status: criteria provided, single submitter. Criteria: Ambry Variant Classification Scheme 2023. Collection method: clinical testing. Allele origin: germline.
Comment: The p.T357I variant (also known as c.1070C>T), located in coding exon 11 of the POLE gene, results from a C to T substitution at nucleotide position 1070. The threonine at codon 357 is replaced by isoleucine, an amino acid with similar properties. This amino acid position is not well conserved in available vertebrate species. In addition, this alteration is predicted to be tolerated by in silico analysis. Since supporting evidence is limited at this time, the clinical significance of this alteration remains unclear.

Labcorp Genetics (formerly Invitae), Labcorp
Classification: Uncertain significance. Last evaluated: 2025-02-07. Review status: criteria provided, single submitter. Criteria: Invitae Variant Classification Sherloc (09022015). Collection method: clinical testing. Allele origin: germline.
Comment: This sequence change replaces threonine, which is neutral and polar, with isoleucine, which is neutral and non-polar, at codon 357 of the POLE protein (p.Thr357Ile). This variant is not present in population databases (gnomAD no frequency). This variant has not been reported in the literature in individuals affected with POLE-related conditions. ClinVar contains an entry for this variant (Variation ID: 940164). Invitae Evidence Modeling of protein sequence and biophysical properties (such as structural, functional, and spatial information, amino acid conservation, physicochemical variation, residue mobility, and thermodynamic stability) indicates that this missense variant is not expected to disrupt POLE protein function with a negative predictive value of 80%. In summary, the available evidence is currently insufficient to determine the role of this variant in disease. Therefore, it has been classified as a Variant of Uncertain Significance.

Baylor Genetics
Classification: Uncertain significance for Colorectal cancer, susceptibility to, 12. Last evaluated: 2023-12-16. Review status: criteria provided, single submitter. Criteria: ACMG Guidelines, 2015. Collection method: clinical testing. Allele origin: unknown.

Quest Diagnostics Nichols Institute San Juan Capistrano
Classification: Uncertain significance. Last evaluated: 2020-09-16. Review status: criteria provided, single submitter. Criteria: Quest Diagnostics criteria. Collection method: clinical testing. Allele origin: unknown.

NM_006231.4(POLE):c.1070C>T (p.Thr357Ile)

Gene: POLE (DNA polymerase epsilon, catalytic subunit; minus strand). Cytogenetic location: 12q24.33.
Variant type: single nucleotide variant.
Coding change: c.1070C>T on transcript NM_006231.4 (MANE Select); coding-DNA position 1070, C replaced by T.
Protein change: p.Thr357Ile; replaces threonine 357 with isoleucine.
Molecular consequence: missense variant.
Genome position (GRCh38, 1-based): chr12:132,675,771, G>A on the plus strand (C>T on the coding strand, the complement: POLE is on the minus strand). VCF-style: chr12-132675771-G-A. GRCh37 (hg19) VCF-style: chr12-133252357-G-A.
Other names: short protein forms T357I.
Identifiers: ClinVar variation 940164 (VCV000940164.17), dbSNP rs2043035482, ClinGen allele CA387361493.
Genomic context (GRCh38, chr12:132,675,771, plus strand): 5'-CTCATAGAGAAGACACAGACTCACCAGTCAAAAAAGTCCCCGTTGTAGGTGACCATGATG[G>A]TGGGTTTGGTCTCCTGGACGTGTTCAAACCACCTTTGGATCAGATGAGCCTGAACCCAAG-3'
Protein context (NP_006222.2, residues 347-367): WFEHVQETKP[Thr357Ile]IMVTYNGDFF